The following is an entry in ClinVar:

NM_017534.6(MYH2):c.5385C>A (p.Thr1795=)

Genes: MYH2 (myosin heavy chain 2; minus strand), MYHAS (myosin heavy chain gene cluster antisense RNA; plus strand). Cytogenetic location: 17p13.1.
Variant type: single nucleotide variant.
Coding change: c.5385C>A on transcript NM_017534.6 (MANE Select); coding-DNA position 5385, C replaced by A.
Protein change: p.Thr1795=; no amino-acid change (threonine 1795 retained).
Molecular consequence: synonymous variant.
Genome position (GRCh38, 1-based): chr17:10,523,583, G>T on the plus strand (C>A on the coding strand, the complement: MYH2 is on the minus strand). VCF-style: chr17-10523583-G-T. GRCh37 (hg19) VCF-style: chr17-10426900-G-T.
Other names: c.5385C>A, p.Thr1795= (NM_001100112.2).
Identifiers: ClinVar variation 3778293 (VCV003778293.7).

ClinVar aggregate classification (germline): Likely benign (1 of 4 stars; one submission).

gnomAD v4.1: 1 of 1,614,156 alleles (0.000062%); highest among the groups gnomAD compares: Non-Finnish European, 0.000085%; no homozygotes.

Submission:

CeGaT Center for Human Genetics Tuebingen
Classification: Likely benign. Last evaluated: 2025-03-01. Review status: criteria provided, single submitter. Criteria: CeGaT Center For Human Genetics Tuebingen Variant Classification Criteria Version 2. Collection method: clinical testing. Allele origin: germline. Affected: yes. Observed: 1 variant allele.
Comment: MYH2: BP4, BP7